The following is an entry in ClinVar:

NM_001371727.1(GABRB2):c.850A>G (p.Thr284Ala)

Gene: GABRB2 (gamma-aminobutyric acid type A receptor subunit beta2; minus strand). Cytogenetic location: 5q34.
Variant type: single nucleotide variant.
Coding change: c.850A>G on transcript NM_001371727.1 (MANE Select); coding-DNA position 850, A replaced by G.
Protein change: p.Thr284Ala; replaces threonine 284 with alanine.
Molecular consequence: missense variant.
Genome position (GRCh38, 1-based): chr5:161,331,110, T>C on the plus strand (A>G on the coding strand, the complement: GABRB2 is on the minus strand). VCF-style: chr5-161331110-T-C. GRCh37 (hg19) VCF-style: chr5-160758117-T-C.
Other names: c.850A>G, p.Thr284Ala (NM_000813.3, NM_021911.3); short protein forms T284A.
Identifiers: ClinVar variation 576162 (VCV000576162.11), dbSNP rs1561610483, ClinGen allele CA362175489.

ClinVar aggregate classification (germline): Uncertain significance (1 of 4 stars; one submission).

Conditions:
Intellectual disability. Also called: Intellectual developmental disorder; Intellectual functioning disability; intellectual disabilities. Identifiers: MedGen C3714756, MeSH D008607, MONDO:0001071, HP:0001249.

Submission:

Labcorp Genetics (formerly Invitae), Labcorp
Classification: Uncertain significance for Intellectual disability. Last evaluated: 2019-07-18. Review status: criteria provided, single submitter. Criteria: Invitae Variant Classification Sherloc (09022015). Collection method: clinical testing. Allele origin: germline.
Comment: In summary, the available evidence is currently insufficient to determine the role of this variant in disease. Therefore, it has been classified as a Variant of Uncertain Significance. This variant disrupts the p.Thr284 amino acid residue in GABRB2. Other variant(s) that disrupt this residue have been determined to be pathogenic (PMID: 29100083). This suggests that this residue is clinically significant, and that variants that disrupt this residue are likely to be disease-causing. Algorithms developed to predict the effect of missense changes on protein structure and function (SIFT, PolyPhen-2, Align-GVGD) all suggest that this variant is likely to be disruptive, but these predictions have not been confirmed by published functional studies and their clinical significance is uncertain. This variant has not been reported in the literature in individuals with GABRB2-related conditions. ClinVar contains an entry for this variant (Variation ID: 576162). This variant is not present in population databases (ExAC no frequency). This sequence change replaces threonine with alanine at codon 284 of the GABRB2 protein (p.Thr284Ala). The threonine residue is highly conserved and there is a small physicochemical difference between threonine and alanine.

Literature cited by the submitters: PubMed 29100083.